The following is an entry in ClinVar:

NM_016580.4(PCDH12):c.3271G>A (p.Gly1091Ser)

Gene: PCDH12 (protocadherin 12; minus strand). Cytogenetic location: 5q31.3.
Variant type: single nucleotide variant.
Coding change: c.3271G>A on transcript NM_016580.4 (MANE Select); coding-DNA position 3271, G replaced by A.
Protein change: p.Gly1091Ser; replaces glycine 1091 with serine.
Molecular consequence: missense variant.
Genome position (GRCh38, 1-based): chr5:141,945,665, C>T on the plus strand (G>A on the coding strand, the complement: PCDH12 is on the minus strand). VCF-style: chr5-141945665-C-T. GRCh37 (hg19) VCF-style: chr5-141325230-C-T.
Other names: short protein forms G1091S.
Identifiers: ClinVar variation 2136338 (VCV002136338.1), dbSNP rs779814208, ClinGen allele CA3484002.

ClinVar aggregate classification (germline): Uncertain significance (1 of 4 stars; one submission).

Allele frequency attached by ClinVar (database versions not stated): ExAC 0.00003.
gnomAD v4.1: 24 of 1,614,104 alleles (0.0015%); highest among the groups gnomAD compares: Middle Eastern, 0.016%; no homozygotes.

Submission:

Labcorp Genetics (formerly Invitae), Labcorp
Classification: Uncertain significance. Last evaluated: 2022-08-09. Review status: criteria provided, single submitter. Criteria: Invitae Variant Classification Sherloc (09022015). Collection method: clinical testing. Allele origin: germline.
Comment: This sequence change replaces glycine, which is neutral and non-polar, with serine, which is neutral and polar, at codon 1091 of the PCDH12 protein (p.Gly1091Ser). This variant is present in population databases (rs779814208, gnomAD 0.01%). This missense change has been observed in individual(s) with clinical features of PCDH12-related conditions (PMID: 28804758). Advanced modeling of protein sequence and biophysical properties (such as structural, functional, and spatial information, amino acid conservation, physicochemical variation, residue mobility, and thermodynamic stability) performed at Invitae indicates that this missense variant is not expected to disrupt PCDH12 protein function. In summary, the available evidence is currently insufficient to determine the role of this variant in disease. Therefore, it has been classified as a Variant of Uncertain Significance.

Literature cited by the submitters: PubMed 28804758.